The following is an entry in ClinVar:

NM_001270974.2(HYDIN):c.7370T>C (p.Phe2457Ser)

Gene: HYDIN (HYDIN axonemal central pair apparatus protein; minus strand). Cytogenetic location: 16q22.2.
Variant type: single nucleotide variant.
Coding change: c.7370T>C on transcript NM_001270974.2 (MANE Select); coding-DNA position 7370, T replaced by C.
Protein change: p.Phe2457Ser; replaces phenylalanine 2457 with serine.
Molecular consequence: missense variant.
Genome position (GRCh38, 1-based): chr16:70,921,006, A>G on the plus strand (T>C on the coding strand, the complement: HYDIN is on the minus strand). VCF-style: chr16-70921006-A-G. GRCh37 (hg19) VCF-style: chr16-70954909-A-G.
Other names: c.7370T>C (NM_001270974.1); short protein forms F2457S.
Identifiers: ClinVar variation 1704396 (VCV001704396.3), dbSNP rs200385024, ClinGen allele CA8149983.

ClinVar aggregate classification (germline): Conflicting classifications of pathogenicity. Review status: criteria provided, conflicting classifications (1 of 4 stars). 3 submissions from 3 submitters: Uncertain significance (2); Likely benign (1). Last evaluated 2026-01-22.

Conditions:
Primary ciliary dyskinesia 5. Also called: CILIARY DYSKINESIA, PRIMARY, 5, WITHOUT SITUS INVERSUS. Identifiers: Orphanet 244, MedGen C1837615, MONDO:0012088, OMIM 608647.

Allele frequency attached by ClinVar (database versions not stated): 1000 Genomes Project 30x 0.00094; 1000 Genomes Project 0.00100; ESP Exome Variant Server 0.00102; ExAC 0.00108; TOPMed 0.00128; gnomAD 0.00141; gnomAD exomes 0.00195.
gnomAD v4.1: 3,048 of 1,581,014 alleles (0.19%); highest among the groups gnomAD compares: Non-Finnish European, 0.23%; 7 homozygotes.

Submissions (3):

GeneDx
Classification: Uncertain significance. Last evaluated: 2026-01-22. Review status: criteria provided, single submitter. Criteria: GeneDx Variant Classification Process June 2021. Collection method: clinical testing. Allele origin: germline.
Comment: In silico analysis supports that this missense variant has a deleterious effect on protein structure/function; Has not been previously published as pathogenic or benign to our knowledge

Blueprint Genetics
Classification: Likely benign. Last evaluated: 2024-11-27. Review status: criteria provided, single submitter. Criteria: ACMG Guidelines, 2015. Collection method: clinical testing. Allele origin: germline.

Johns Hopkins Genomics, Johns Hopkins University
Classification: Uncertain significance for Primary ciliary dyskinesia 5. Last evaluated: 2022-08-19. Review status: criteria provided, single submitter. Criteria: ACMG Guidelines, 2015. Collection method: clinical testing. Allele origin: germline.
Comment: This HYDIN missense variant (rs200385024) is present in a large population dataset1 (gnomAD v3.1.2: 209/151108 total alleles; 0.14%; 1 homozygote). It has not been reported in ClinVar nor the literature, to our knowledge. Two bioinformatic tools queried predict that this substitution would be damaging, and the phenylalanine residue at this position is evolutionarily conserved across most species assessed. We consider the clinical significance of c.7370T>C in HYDIN to be uncertain at this time.